The following is an entry in ClinVar:

ClinVar aggregate classification (germline): Uncertain significance (1 of 4 stars; one submission).

gnomAD v4.1: 3 of 1,614,212 alleles (0.00019%); highest among the groups gnomAD compares: Non-Finnish European, 0.00025%; no homozygotes.

Submission:

Labcorp Genetics (formerly Invitae), Labcorp
Classification: Uncertain significance. Last evaluated: 2024-08-16. Review status: criteria provided, single submitter. Criteria: Invitae Variant Classification Sherloc (09022015). Collection method: clinical testing. Allele origin: germline.
Comment: This sequence change replaces alanine, which is neutral and non-polar, with threonine, which is neutral and polar, at codon 452 of the PPP1R15B protein (p.Ala452Thr). This variant is present in population databases (rs750361357, gnomAD 0.0009%). This variant has not been reported in the literature in individuals affected with PPP1R15B-related conditions. Invitae Evidence Modeling of protein sequence and biophysical properties (such as structural, functional, and spatial information, amino acid conservation, physicochemical variation, residue mobility, and thermodynamic stability) indicates that this missense variant is not expected to disrupt PPP1R15B protein function with a negative predictive value of 80%. In summary, the available evidence is currently insufficient to determine the role of this variant in disease. Therefore, it has been classified as a Variant of Uncertain Significance.

NM_032833.5(PPP1R15B):c.1354G>A (p.Ala452Thr)

Gene: PPP1R15B (protein phosphatase 1 regulatory subunit 15B; minus strand). Cytogenetic location: 1q32.1.
Variant type: single nucleotide variant.
Coding change: c.1354G>A on transcript NM_032833.5 (MANE Select); coding-DNA position 1354, G replaced by A.
Protein change: p.Ala452Thr; replaces alanine 452 with threonine.
Molecular consequence: missense variant.
Genome position (GRCh38, 1-based): chr1:204,410,058, C>T on the plus strand (G>A on the coding strand, the complement: PPP1R15B is on the minus strand). VCF-style: chr1-204410058-C-T. GRCh37 (hg19) VCF-style: chr1-204379186-C-T.
Other names: short protein forms A452T.
Identifiers: ClinVar variation 3686256 (VCV003686256.2).